The following is an entry in ClinVar:

ClinVar aggregate classification (germline): Conflicting classifications of pathogenicity. Review status: criteria provided, conflicting classifications (1 of 4 stars). 2 submissions from 2 submitters: Uncertain significance (1); Likely benign (1). Last evaluated 2024-07-15.

Allele frequency attached by ClinVar (database versions not stated): gnomAD 0.00001; ExAC 0.00002; gnomAD exomes 0.00002 and 0.00003; TOPMed 0.00003; ESP Exome Variant Server 0.00008.
gnomAD v4.1: 51 of 1,614,032 alleles (0.0032%); highest among the groups gnomAD compares: Non-Finnish European, 0.0038%; no homozygotes.

Submissions (2):

Labcorp Genetics (formerly Invitae), Labcorp
Classification: Likely benign. Last evaluated: 2024-07-15. Review status: criteria provided, single submitter. Criteria: Invitae Variant Classification Sherloc (09022015). Collection method: clinical testing. Allele origin: germline.

Women's Health and Genetics/Laboratory Corporation of America, LabCorp
Classification: Uncertain significance. Last evaluated: 2024-06-11. Review status: criteria provided, single submitter. Criteria: LabCorp Variant Classification Summary - May 2015. Collection method: clinical testing. Allele origin: germline.
Comment: Variant summary: SETBP1 c.3511A>C (p.Ser1171Arg) results in a non-conservative amino acid change in the encoded protein sequence. Four of five in-silico tools predict a damaging effect of the variant on protein function. The variant allele was found at a frequency of 2e-05 in 251350 control chromosomes. The available data on variant occurrences in the general population are insufficient to allow any conclusion about variant significance. c.3511A>C has been reported in the literature in individual(s) affected with adult-onset permanent atrial fibrillation, however not all the informaiton was provided for further analysis (Gregers_2017). These report(s) do not provide unequivocal conclusions about association of the variant with SETBP1-Related Disorders. To our knowledge, no experimental evidence demonstrating an impact on protein function has been reported. The following publication has been ascertained in the context of this evaluation (PMID: 28549997). ClinVar contains an entry for this variant (Variation ID: 1374985). Based on the evidence outlined above, the variant was classified as uncertain significance.

Literature cited by the submitters: PubMed 28549997 (cited by Women's Health and Genetics/Laboratory Corporation of America, LabCorp).

NM_015559.3(SETBP1):c.3511A>C (p.Ser1171Arg)

Gene: SETBP1 (SET binding protein 1; plus strand). Cytogenetic location: 18q12.3.
Variant type: single nucleotide variant.
Coding change: c.3511A>C on transcript NM_015559.3 (MANE Select); coding-DNA position 3511, A replaced by C.
Protein change: p.Ser1171Arg; replaces serine 1171 with arginine.
Molecular consequence: missense variant.
Genome position (GRCh38, 1-based): chr18:44,952,851, A>C. VCF-style: chr18-44952851-A-C. GRCh37 (hg19) VCF-style: chr18-42532816-A-C.
Other names: c.3511A>C, p.Ser1171Arg (NM_001379141.1, NM_001379142.1); short protein forms S1171R.
Identifiers: ClinVar variation 1374985 (VCV001374985.9), dbSNP rs147540466, ClinGen allele CA8945919.
Genomic context (GRCh38, chr18:44,952,851, plus strand): 5'-AAACACAAACACAAGCATAAGCACAAGGAAGACCGGATCCTAGGGACCCATGACAACCTG[A>C]GTGGTCTTTTTGCAGGCAAAGCCACAGGCTTCTCCAGCCACATCCTGAGCGAGCGGCTGA-3'
Protein context (NP_056374.2, residues 1161-1181): DRILGTHDNL[Ser1171Arg]GLFAGKATGF